The following is an entry in ClinVar:

NM_018896.5(CACNA1G):c.1677C>T (p.Ala559=)

Gene: CACNA1G (calcium voltage-gated channel subunit alpha1 G; plus strand). Cytogenetic location: 17q21.33.
Variant type: single nucleotide variant.
Coding change: c.1677C>T on transcript NM_018896.5 (MANE Select); coding-DNA position 1677, C replaced by T.
Protein change: p.Ala559=; no amino-acid change (alanine 559 retained).
Molecular consequence: synonymous variant. On other transcripts: non-coding transcript variant (5).
Genome position (GRCh38, 1-based): chr17:50,576,079, C>T. VCF-style: chr17-50576079-C-T. GRCh37 (hg19) VCF-style: chr17-48653440-C-T.
Other names: c.1677C>T, p.Ala559= (NM_198379.3, NM_198380.3, NM_198382.3 and 24 more transcripts).
Identifiers: ClinVar variation 761856 (VCV000761856.49), dbSNP rs541194308, ClinGen allele CA8652218.

ClinVar aggregate classification (germline): Likely benign. Review status: criteria provided, multiple submitters, no conflicts (2 of 4 stars). 4 submissions from 4 submitters: Likely benign (4). Last evaluated 2025-10-21.

Allele frequency attached by ClinVar (database versions not stated): gnomAD exomes 0.00007 and 0.00009; gnomAD 0.00010; TOPMed 0.00011; ExAC 0.00015; 1000 Genomes Project 0.00020; 1000 Genomes Project 30x 0.00047.
gnomAD v4.1: 130 of 1,588,470 alleles (0.0082%); highest among the groups gnomAD compares: Middle Eastern, 0.066%; no homozygotes.

Submissions (4):

Women's Health and Genetics/Laboratory Corporation of America, LabCorp
Classification: Likely benign. Last evaluated: 2025-10-21. Review status: criteria provided, single submitter. Criteria: LabCorp Variant Classification Summary - May 2015. Collection method: clinical testing. Allele origin: germline.

Labcorp Genetics (formerly Invitae), Labcorp
Classification: Likely benign. Last evaluated: 2024-10-07. Review status: criteria provided, single submitter. Criteria: Invitae Variant Classification Sherloc (09022015). Collection method: clinical testing. Allele origin: germline.

Blueprint Genetics
Classification: Likely benign. Last evaluated: 2023-12-28. Review status: criteria provided, single submitter. Criteria: ACMG Guidelines, 2015. Collection method: clinical testing. Allele origin: germline.

CeGaT Center for Human Genetics Tuebingen
Classification: Likely benign. Last evaluated: 2022-05-01. Review status: criteria provided, single submitter. Criteria: CeGaT Center For Human Genetics Tuebingen Variant Classification Criteria Version 2. Collection method: clinical testing. Allele origin: germline. Affected: yes. Observed: 2 variant alleles.
Comment: CACNA1G: BP4, BP7